The following is an entry in ClinVar:

NM_001366145.2(TRPM3):c.2647G>T (p.Val883Leu)

Gene: TRPM3 (transient receptor potential cation channel subfamily M member 3; minus strand). Cytogenetic location: 9q21.12.
Variant type: single nucleotide variant.
Coding change: c.2647G>T on transcript NM_001366145.2 (MANE Select); coding-DNA position 2647, G replaced by T.
Protein change: p.Val883Leu; replaces valine 883 with leucine.
Molecular consequence: missense variant.
Genome position (GRCh38, 1-based): chr9:70,610,629, C>A on the plus strand (G>T on the coding strand, the complement: TRPM3 is on the minus strand). VCF-style: chr9-70610629-C-A. GRCh37 (hg19) VCF-style: chr9-73225545-C-A.
Other names: c.2611G>T, p.Val871Leu (NM_001007471.4, NM_001366151.2); c.2617G>T, p.Val873Leu (NM_001366141.2, NM_001366143.2, NM_001366149.2); c.2653G>T, p.Val885Leu (NM_001366142.2); c.2647G>T, p.Val883Leu (NM_001366146.2); c.2722G>T, p.Val908Leu (NM_001366147.2, NM_001366152.2); c.2692G>T, p.Val898Leu (NM_001366148.2); c.2581G>T, p.Val861Leu (NM_001366150.2); c.2188G>T, p.Val730Leu (NM_001366154.2, NM_024971.7); and 5 more; short protein forms V720L, V861L, V898L, V743L, V885L, V718L, V730L, V733L.
Identifiers: ClinVar variation 3010448 (VCV003010448.3), dbSNP rs2061866843, ClinGen allele CA373555906.

ClinVar aggregate classification (germline): Uncertain significance (1 of 4 stars; one submission).

Submission:

Labcorp Genetics (formerly Invitae), Labcorp
Classification: Uncertain significance. Last evaluated: 2023-07-22. Review status: criteria provided, single submitter. Criteria: Invitae Variant Classification Sherloc (09022015). Collection method: clinical testing. Allele origin: germline.
Comment: In summary, the available evidence is currently insufficient to determine the role of this variant in disease. Therefore, it has been classified as a Variant of Uncertain Significance. Advanced modeling of protein sequence and biophysical properties (such as structural, functional, and spatial information, amino acid conservation, physicochemical variation, residue mobility, and thermodynamic stability) performed at Invitae indicates that this missense variant is expected to disrupt TRPM3 protein function. This variant has not been reported in the literature in individuals affected with TRPM3-related conditions. This variant is not present in population databases (gnomAD no frequency). This sequence change replaces valine, which is neutral and non-polar, with leucine, which is neutral and non-polar, at codon 718 of the TRPM3 protein (p.Val718Leu).